The following is an entry in ClinVar:

ClinVar aggregate classification (germline): Uncertain significance (1 of 4 stars; one submission).

Conditions:
Recombinase activating gene 2 deficiency. Also called: RAG2 deficiency. Identifiers: MedGen CN257931, MONDO:0000573.

Submission:

Myriad Genetics, Inc.
Classification: Uncertain significance for Recombinase activating gene 2 deficiency. Last evaluated: 2026-04-23. Review status: criteria provided, single submitter. Criteria: Myriad Autosomal Dominant, Autosomal Recessive and X-Linked Classification Criteria (2023). Collection method: clinical testing. Allele origin: unknown.
Comment: NM_001243785.1(RAG2):c.818T>C(I273T) is a missense variant classified as a variant of uncertain significance in the context of severe combined immunodeficiency, RAG2-related. I273T has been observed in a case with relevant disease (PMID: 37516813). Relevant functional assessments of this variant are not available in the literature. I273T has not been observed in referenced population frequency databases. In summary, there is insufficient evidence to classify NM_001243785.1(RAG2):c.818T>C(I273T) as pathogenic or benign. Please note: this variant was assessed in the context of healthy population screening.

Literature cited by the submitters: PubMed 37516813.

NM_000536.4(RAG2):c.818T>C (p.Ile273Thr)

Gene: RAG2 (recombination activating 2; minus strand). Cytogenetic location: 11p12.
Variant type: single nucleotide variant.
Coding change: c.818T>C on transcript NM_000536.4 (MANE Select); coding-DNA position 818, T replaced by C.
Protein change: p.Ile273Thr; replaces isoleucine 273 with threonine.
Molecular consequence: missense variant.
Genome position (GRCh38, 1-based): chr11:36,593,351, A>G on the plus strand (T>C on the coding strand, the complement: RAG2 is on the minus strand). VCF-style: chr11-36593351-A-G. GRCh37 (hg19) VCF-style: chr11-36614901-A-G.
Other names: c.818T>C, p.Ile273Thr (NM_001243785.2, NM_001243786.2); short protein forms I273T.
Identifiers: ClinVar variation 5003385 (VCV005003385.1).